The following is an entry in ClinVar:

NM_002497.4(NEK2):c.719dup (p.Tyr240Ter)

Gene: NEK2 (NIMA related kinase 2; minus strand). Cytogenetic location: 1q32.3.
Variant type: Duplication.
Coding change: c.719dup on transcript NM_002497.4 (MANE Select); coding-DNA position 719, one base duplicated (A; older notation c.719dupA).
Protein change: p.Tyr240Ter; replaces tyrosine 240 with a stop codon.
Molecular consequence: nonsense.
Genome position (GRCh38, 1-based): chr1:211,670,327, T duplicated on the plus strand (A on the coding strand, the reverse complement: NEK2 is on the minus strand). VCF-style (leftmost placement, unchanged base first): chr1-211670326-G-GT. GRCh37 (hg19) VCF-style: chr1-211843668-G-GT.
Other names: c.719dup, p.Tyr240Ter (NM_001204182.2, NM_001204183.2); short protein forms Y240*.
Identifiers: ClinVar variation 1499522 (VCV001499522.6), dbSNP rs2102444436, ClinGen allele CA2573131648.

ClinVar aggregate classification (germline): Uncertain significance (1 of 4 stars; one submission).

Submission:

Labcorp Genetics (formerly Invitae), Labcorp
Classification: Uncertain significance. Last evaluated: 2021-06-17. Review status: criteria provided, single submitter. Criteria: Invitae Variant Classification Sherloc (09022015). Collection method: clinical testing. Allele origin: germline.
Comment: This sequence change creates a premature translational stop signal (p.Tyr240*) in the NEK2 gene. It is expected to result in an absent or disrupted protein product. However, the current clinical and genetic evidence is not sufficient to establish whether loss-of-function variants in NEK2 cause disease. This variant is not present in population databases (ExAC no frequency). This variant has not been reported in the literature in individuals with NEK2-related conditions. In summary, the available evidence is currently insufficient to determine the role of this variant in disease. Therefore, it has been classified as a Variant of Uncertain Significance.